The following is an entry in ClinVar:

NM_006231.4(POLE):c.5552+3G>A

Gene: POLE (DNA polymerase epsilon, catalytic subunit; minus strand). Cytogenetic location: 12q24.33.
Variant type: single nucleotide variant.
Coding change: c.5552+3G>A on transcript NM_006231.4 (MANE Select); 3 bases into the intron after coding-DNA position 5552, G replaced by A.
Molecular consequence: intron variant.
Genome position (GRCh38, 1-based): chr12:132,639,122, C>T on the plus strand (G>A on the coding strand, the complement: POLE is on the minus strand). VCF-style: chr12-132639122-C-T. GRCh37 (hg19) VCF-style: chr12-133215708-C-T.
Other names: c.5552+3G>A (NM_006231.2).
Identifiers: ClinVar variation 999012 (VCV000999012.7), dbSNP rs367980849, ClinGen allele CA2072984121.
Genomic context (GRCh38, chr12:132,639,122, plus strand): 5'-GGGGAGTAAGGGACCAGCCCAGCTGAGGACGCGGTGGACAGCCCAGGGAGGAGGAGCACT[C>T]ACTGCAGGAAGAGCTTCTTCATCATGTTGTGGAGTGTGCGGTGCAGGGCAGGGTCATGAA-3'

ClinVar aggregate classification (germline): Uncertain significance. Review status: criteria provided, multiple submitters, no conflicts (2 of 4 stars). 2 submissions from 2 submitters: Uncertain significance (2). Last evaluated 2025-09-30.

Conditions:
Hereditary cancer-predisposing syndrome. Also called: Neoplastic Syndromes, Hereditary; Tumor predisposition; Hereditary Cancer Syndrome; Hereditary neoplastic syndrome. Identifiers: Orphanet 140162, MedGen C0027672, MeSH D009386, MONDO:0015356.

Submissions (2):

Ambry Genetics
Classification: Uncertain significance for Hereditary cancer-predisposing syndrome. Last evaluated: 2025-09-30. Review status: criteria provided, single submitter. Criteria: Ambry Variant Classification Scheme 2023. Collection method: clinical testing. Allele origin: germline.
Comment: The c.5552+3G>A intronic variant results from a G to A substitution 3 nucleotides after coding exon 40 in the POLE gene. This nucleotide position is well conserved in available vertebrate species. In silico splice site analysis predicts that this alteration will not have any significant effect on splicing. Based on the available evidence, the clinical significance of this variant remains unclear.

Labcorp Genetics (formerly Invitae), Labcorp
Classification: Uncertain significance. Last evaluated: 2021-07-22. Review status: criteria provided, single submitter. Criteria: Invitae Variant Classification Sherloc (09022015). Collection method: clinical testing. Allele origin: germline.
Comment: This variant has not been reported in the literature in individuals with POLE-related conditions. This variant is not present in population databases (ExAC no frequency). This sequence change falls in intron 40 of the POLE gene. It does not directly change the encoded amino acid sequence of the POLE protein, but it affects a nucleotide within the consensus splice site of the intron. In summary, the available evidence is currently insufficient to determine the role of this variant in disease. Therefore, it has been classified as a Variant of Uncertain Significance. Nucleotide substitutions within the consensus splice site are a relatively common cause of aberrant splicing (PMID: 17576681, 9536098). Algorithms developed to predict the effect of sequence changes on RNA splicing suggest that this variant is not likely to affect RNA splicing, but this prediction has not been confirmed by published transcriptional studies.

Literature cited by the submitters: PubMed 17576681 (cited by Labcorp Genetics (formerly Invitae), Labcorp); PubMed 9536098 (cited by Labcorp Genetics (formerly Invitae), Labcorp).